The following is an entry in ClinVar:

NM_001267550.2(TTN):c.101191A>G (p.Thr33731Ala)

Genes: TTN-AS1 (TTN antisense RNA 1; plus strand), TTN (titin; minus strand). Cytogenetic location: 2q31.2.
Variant type: single nucleotide variant.
Coding change: c.101191A>G on transcript NM_001267550.2 (MANE Select); coding-DNA position 101191, A replaced by G.
Protein change: p.Thr33731Ala; replaces threonine 33731 with alanine.
Molecular consequence: missense variant.
Genome position (GRCh38, 1-based): chr2:178,535,424, T>C on the plus strand (A>G on the coding strand, the complement: TTN is on the minus strand). VCF-style: chr2-178535424-T-C. GRCh37 (hg19) VCF-style: chr2-179400151-T-C.
Other names: c.96268A>G, p.Thr32090Ala (NM_001256850.1); c.73996A>G, p.Thr24666Ala (NM_003319.4); c.93487A>G, p.Thr31163Ala (NM_133378.4); c.74371A>G, p.Thr24791Ala (NM_133432.3); c.74572A>G, p.Thr24858Ala (NM_133437.4); short protein forms T24666A, T24791A, T24858A, T31163A, T32090A, T33731A.
Identifiers: ClinVar variation 1023360 (VCV001023360.9), dbSNP rs746383312, ClinGen allele CA1985919.

ClinVar aggregate classification (germline): Uncertain significance (1 of 4 stars; one submission).

Conditions:
Dilated cardiomyopathy 1G (CMD1G). Identifiers: Orphanet 154, MedGen C1858763, MONDO:0011400, OMIM 604145.
Autosomal recessive limb-girdle muscular dystrophy type 2J (LGMDR10). Also called: MUSCULAR DYSTROPHY, LIMB-GIRDLE, AUTOSOMAL RECESSIVE 10; Limb-girdle muscular dystrophy, type 2J. Identifiers: Orphanet 140922, MedGen C1837342, MONDO:0012127, OMIM 608807.

Allele frequency attached by ClinVar (database versions not stated): gnomAD exomes below 0.00001; ExAC 0.00001.
gnomAD v4.1: 1 of 1,613,916 alleles (0.000062%); highest among the groups gnomAD compares: Non-Finnish European, 0.000085%; no homozygotes.

Submission:

Labcorp Genetics (formerly Invitae), Labcorp
Classification: Uncertain significance for Dilated cardiomyopathy 1G; Autosomal recessive limb-girdle muscular dystrophy type 2J. Last evaluated: 2025-06-08. Review status: criteria provided, single submitter. Criteria: Invitae Variant Classification Sherloc (09022015). Collection method: clinical testing. Allele origin: germline.
Comment: This sequence change replaces threonine, which is neutral and polar, with alanine, which is neutral and non-polar, at codon 33731 of the TTN protein (p.Thr33731Ala). This variant is present in population databases (rs746383312, gnomAD 0.0009%). This variant has not been reported in the literature in individuals affected with TTN-related conditions. ClinVar contains an entry for this variant (Variation ID: 1023360). Experimental studies and prediction algorithms are not available or were not evaluated, and the functional significance of this variant is currently unknown. This variant is located in the M band of TTN (PMID: 25589632). Non-truncating variants in this region may be relevant for neuromuscular disorders, but have not been definitively shown to cause cardiomyopathy (PMID: 23975875). In summary, the available evidence is currently insufficient to determine the role of this variant in disease. Therefore, it has been classified as a Variant of Uncertain Significance.

Literature cited by the submitters: PubMed 25589632; PubMed 23975875.